The following is an entry in ClinVar:

NM_006059.4(LAMC3):c.1283+1G>C

Gene: LAMC3 (laminin subunit gamma 3; plus strand). Cytogenetic location: 9q34.12.
Variant type: single nucleotide variant.
Coding change: c.1283+1G>C on transcript NM_006059.4 (MANE Select); the canonical splice donor site of the intron after coding-DNA position 1283, G replaced by C.
Molecular consequence: splice donor variant.
Genome position (GRCh38, 1-based): chr9:131,039,249, G>C. VCF-style: chr9-131039249-G-C. GRCh37 (hg19) VCF-style: chr9-133914636-G-C.
Identifiers: ClinVar variation 2104160 (VCV002104160.4), dbSNP rs2490716828, ClinGen allele CA375259999.

ClinVar aggregate classification (germline): Likely pathogenic (1 of 4 stars; one submission).

Allele frequency attached by ClinVar (database versions not stated): gnomAD exomes below 0.00001.
gnomAD v4.1: 1 of 1,602,806 alleles (0.000062%); highest among the groups gnomAD compares: Non-Finnish European, 0.000085%; no homozygotes.

Submission:

Labcorp Genetics (formerly Invitae), Labcorp
Classification: Likely pathogenic. Last evaluated: 2022-03-08. Review status: criteria provided, single submitter. Criteria: Invitae Variant Classification Sherloc (09022015). Collection method: clinical testing. Allele origin: germline.
Comment: This sequence change affects a donor splice site in intron 6 of the LAMC3 gene. It is expected to disrupt RNA splicing. Variants that disrupt the donor or acceptor splice site typically lead to a loss of protein function (PMID: 16199547), and loss-of-function variants in LAMC3 are known to be pathogenic (PMID: 21572413, 26802095). In summary, the currently available evidence indicates that the variant is pathogenic, but additional data are needed to prove that conclusively. Therefore, this variant has been classified as Likely Pathogenic. Algorithms developed to predict the effect of sequence changes on RNA splicing suggest that this variant may disrupt the consensus splice site. This variant has not been reported in the literature in individuals affected with LAMC3-related conditions. This variant is not present in population databases (gnomAD no frequency).

Literature cited by the submitters: PubMed 16199547; PubMed 21572413; PubMed 26802095.